The following is an entry in ClinVar:

ClinVar aggregate classification (germline): Benign. Review status: criteria provided, multiple submitters, no conflicts (2 of 4 stars). 3 submissions from 3 submitters: Benign (3). Last evaluated 2025-12-22.

Allele frequency attached by ClinVar (database versions not stated): gnomAD 0.00007 and 0.00088; TOPMed 0.00015; 1000 Genomes Project 30x 0.00359; gnomAD exomes 0.00389; 1000 Genomes Project 0.00419; ExAC 0.02460.
gnomAD v4.1: 1,544 of 1,428,354 alleles (0.11%); highest among the groups gnomAD compares: South Asian, 2%; 29 homozygotes.

Submissions (3):

Labcorp Genetics (formerly Invitae), Labcorp
Classification: Benign. Last evaluated: 2025-12-22. Review status: criteria provided, single submitter. Criteria: Invitae Variant Classification Sherloc (09022015). Collection method: clinical testing. Allele origin: germline.

GeneDx
Classification: Benign. Last evaluated: 2019-03-18. Review status: criteria provided, single submitter. Criteria: GeneDx Variant Classification Process June 2021. Collection method: clinical testing. Allele origin: germline. Affected: yes.

Laboratory for Molecular Medicine, Mass General Brigham Personalized Medicine
Classification: Benign. Last evaluated: 2017-08-23. Review status: criteria provided, single submitter. Criteria: LMM Criteria. Collection method: clinical testing. Allele origin: germline. Observed: 1 variant allele.
Comment: p.Arg744Gln in exon 15 of PDZD7: This variant is not expected to have clinical s ignificance because it has been identified in 3.71% (107/2882) of South Asian ch romosomes by the Exome Aggregation Consortium (ExAC. org; dbSNP rs547610251).

NM_001195263.2(PDZD7):c.2231G>A (p.Arg744Gln)

Gene: PDZD7 (PDZ domain containing 7; minus strand). Cytogenetic location: 10q24.31.
Variant type: single nucleotide variant.
Coding change: c.2231G>A on transcript NM_001195263.2 (MANE Select); coding-DNA position 2231, G replaced by A.
Protein change: p.Arg744Gln; replaces arginine 744 with glutamine.
Molecular consequence: missense variant.
Genome position (GRCh38, 1-based): chr10:101,010,658, C>T on the plus strand (G>A on the coding strand, the complement: PDZD7 is on the minus strand). VCF-style: chr10-101010658-C-T. GRCh37 (hg19) VCF-style: chr10-102770415-C-T.
Other names: short protein forms R744Q.
Identifiers: ClinVar variation 666635 (VCV000666635.14), dbSNP rs547610251, ClinGen allele CA5653997.
Genomic context (GRCh38, chr10:101,010,658, plus strand): 5'-CTCTGCGGAGGGTGCTCTCGGCTCAGGGGTTCTGTCAGCAGCCAGTTAGGCCGCAGGGGC[C>T]GGGGAGCCACGGGGGGTAGCTGGGGAGGGGGTGTGCAGGCAATTCGGAGGGGGGTGAAGG-3'
Protein context (NP_001182192.1, residues 734-754): PPPQLPPVAP[Arg744Gln]PLRPNWLLTE